The following is an entry in ClinVar:

ClinVar aggregate classification (germline): Uncertain significance. Review status: criteria provided, single submitter (1 of 4 stars). 2 submissions from 2 submitters: Uncertain significance (1). 1 of the submissions does not count toward it. Last evaluated 2024-03-28.

Conditions:
Familial cancer of breast. Also called: BREAST CANCER, FAMILIAL; Hereditary breast cancer; hereditary breast carcinoma. Identifiers: Orphanet 227535, MedGen C0346153, MONDO:0016419, OMIM 114480. Disease mechanism: loss of function.
Fanconi anemia complementation group J. Also called: BRIP1-Related Fanconi Anemia. Identifiers: Orphanet 84, MedGen C1836860, MONDO:0012187, OMIM 609054.

Submissions (2):

Labcorp Genetics (formerly Invitae), Labcorp
Classification: Uncertain significance for Familial cancer of breast; Fanconi anemia complementation group J. Last evaluated: 2024-03-28. Review status: criteria provided, single submitter. Criteria: Invitae Variant Classification Sherloc (09022015). Collection method: clinical testing. Allele origin: germline.
Comment: This sequence change replaces asparagine, which is neutral and polar, with serine, which is neutral and polar, at codon 576 of the BRIP1 protein (p.Asn576Ser). This variant is not present in population databases (gnomAD no frequency). This variant has not been reported in the literature in individuals affected with BRIP1-related conditions. ClinVar contains an entry for this variant (Variation ID: 133747). Advanced modeling of protein sequence and biophysical properties (such as structural, functional, and spatial information, amino acid conservation, physicochemical variation, residue mobility, and thermodynamic stability) performed at Invitae indicates that this missense variant is not expected to disrupt BRIP1 protein function with a negative predictive value of 80%. In summary, the available evidence is currently insufficient to determine the role of this variant in disease. Therefore, it has been classified as a Variant of Uncertain Significance.

ITMI
No classification provided. Condition: AllHighlyPenetrant. Last evaluated: 2013-09-19. Review status: no classification provided. Collection method: reference population. Allele origin: germline. Not counted in ClinVar's aggregate classification.
Comment: Please see associated publication for description of ethnicities

Literature cited by the submitters: PubMed 24728327 (cited by ITMI).

NM_032043.3(BRIP1):c.1727A>G (p.Asn576Ser)

Gene: BRIP1 (BRCA1 interacting DNA helicase 1; minus strand). Cytogenetic location: 17q23.2.
Variant type: single nucleotide variant.
Coding change: c.1727A>G on transcript NM_032043.3 (MANE Select); coding-DNA position 1727, A replaced by G.
Protein change: p.Asn576Ser; replaces asparagine 576 with serine.
Molecular consequence: missense variant.
Genome position (GRCh38, 1-based): chr17:61,780,907, T>C on the plus strand (A>G on the coding strand, the complement: BRIP1 is on the minus strand). VCF-style: chr17-61780907-T-C. GRCh37 (hg19) VCF-style: chr17-59858268-T-C.
Other names: short protein forms N576S.
Identifiers: ClinVar variation 133747 (VCV000133747.4), dbSNP rs587778132, ClinGen allele CA157679.
Genomic context (GRCh38, chr17:61,780,907, plus strand): 5'-GGATTTAAGCACCAAAAGTTTAGCACATGAACTGCAGTTTTCTGTCGTGAACGTTTCTTA[T>C]TTTTTGGTAGAACCAACAACCCATTTTTGTCTGAAATATCAATCTGATTTGTCCAGGAGT-3'
Protein context (NP_114432.2, residues 566-586): DKNGLLVLPK[Asn576Ser]KKRSRQKTAV